The following is an entry in ClinVar:

NM_018489.3(ASH1L):c.2480A>G (p.Lys827Arg)

Gene: ASH1L (ASH1 like histone lysine methyltransferase; minus strand). Cytogenetic location: 1q22.
Variant type: single nucleotide variant.
Coding change: c.2480A>G on transcript NM_018489.3 (MANE Select); coding-DNA position 2480, A replaced by G.
Protein change: p.Lys827Arg; replaces lysine 827 with arginine.
Molecular consequence: missense variant.
Genome position (GRCh38, 1-based): chr1:155,480,390, T>C on the plus strand (A>G on the coding strand, the complement: ASH1L is on the minus strand). VCF-style: chr1-155480390-T-C. GRCh37 (hg19) VCF-style: chr1-155450181-T-C.
Other names: c.2480A>G, p.Lys827Arg (NM_001366177.2); short protein forms K827R.
Identifiers: ClinVar variation 3368707 (VCV003368707.1).

ClinVar aggregate classification (germline): Uncertain significance (1 of 4 stars; one submission).

Submission:

GeneDx
Classification: Uncertain significance. Last evaluated: 2024-01-31. Review status: criteria provided, single submitter. Criteria: GeneDx Variant Classification Process June 2021. Collection method: clinical testing. Allele origin: germline. Affected: yes.
Comment: Not observed at significant frequency in large population cohorts (gnomAD); In silico analysis supports that this missense variant does not alter protein structure/function; Has not been previously published as pathogenic or benign to our knowledge